The following is an entry in ClinVar:

ClinVar aggregate classification (germline): Uncertain significance (3 of 4 stars; one submission).

Conditions:
Arginine:glycine amidinotransferase deficiency (CCDS3). Also called: L-Arginine:Glycine Amidinotransferase Deficiency; Cerebral creatine deficiency syndrome 3; L-Arginine:Glycine Amidinotransferase (AGAT) Deficiency; AGAT deficiency; Creatine deficiency syndrome due to AGAT deficiency; GATM deficiency. Identifiers: Orphanet 35704, MedGen C2675179, MONDO:0012996, OMIM 612718.

Allele frequency attached by ClinVar (database versions not stated): TOPMed 0.00001; ESP Exome Variant Server 0.00008.

Submissions (2):

ClinGen Cerebral Creatine Deficiency Syndromes Variant Curation Expert Panel, ClinGen
Classification: Uncertain significance for Arginine:glycine amidinotransferase deficiency. Last evaluated: 2025-04-11. Review status: reviewed by expert panel. Criteria: ClinGen CCDS ACMG Specifications GATM V2.0.0. Collection method: curation. Allele origin: germline. Inheritance: Autosomal recessive inheritance.
Comment: The NM_001482.3:c.314C>T variant in GATM is a missense variant that is predicted to result in the substitution of proline by leucine and amino acid position 105 (p.Pro105Leu). To our knowledge, this variant has not been reported in an individual with AGAT deficiency in the published literature. It is absent in gnomAD v4.1.0. (PM2_Supporting). When overexpressed in HeLa cells, the variant resulted in 0.6% wild-type activity (PMID: 27233232; ClinVar Variation ID: 225913 - see Germline Functional Evidence section) which is below the threshold of the CCDS VCEP of <15% wild-type activity, indicating the the variant may impact the function of the protein (PS3_Supporting). The computational predictor REVEL gives a score of 0.066 which is below the threshold of 0.29, evidence that does not predict a damaging effect on AGAT function (BP4). There is a ClinVar entry for this variant (Variation ID: 225913). In summary, this variant meets the criteria to be classified as a variant of uncertain significance for AGAT deficiency. GATM-specific ACMG/AMP criteria applied, as specified by the ClinGen CCDS VCEP (Specifications Version 2.0.0): PS3_Supporting, PM2_Supporting, BP4. (Classification approved by the ClinGen CCDS VCEP on April 11, 2025).

Hospital for Sick Children
No classification provided (evidence only). Review status: no classification provided. Collection method: in vitro. Allele origin: not applicable. Functional consequence: variation affecting protein function. Not counted in ClinVar's aggregate classification.
ClinVar note: "not provided" was previously submitted as the classification for the variant. However, the classification appeared to be based only on an observation of functional data so it was converted to no classification on 2025-07-30.

Literature cited by the submitters: PubMed 27233232 (cited by ClinGen Cerebral Creatine Deficiency Syndromes Variant Curation Expert Panel, ClinGen and Hospital for Sick Children).

NM_001482.3(GATM):c.314C>T (p.Pro105Leu)

Gene: GATM (glycine amidinotransferase; minus strand). Cytogenetic location: 15q21.1.
Variant type: single nucleotide variant.
Coding change: c.314C>T on transcript NM_001482.3 (MANE Select); coding-DNA position 314, C replaced by T.
Protein change: p.Pro105Leu; replaces proline 105 with leucine.
Molecular consequence: missense variant. On other transcripts: 5 prime UTR variant (1).
Genome position (GRCh38, 1-based): chr15:45,369,496, G>A on the plus strand (C>T on the coding strand, the complement: GATM is on the minus strand). VCF-style: chr15-45369496-G-A. GRCh37 (hg19) VCF-style: chr15-45661694-G-A.
Other names: NM_001482.3(GATM):c.314C>T; p.Pro105Leu; c.-74C>T (NM_001321015.2); short protein forms P105L.
Identifiers: ClinVar variation 225913 (VCV000225913.4), dbSNP rs147804855, ClinGen allele CA270169359.